The following is an entry in ClinVar:

NM_002160.4(TNC):c.5306T>G (p.Leu1769Arg)

Gene: TNC (tenascin C; minus strand). Cytogenetic location: 9q33.1.
Variant type: single nucleotide variant.
Coding change: c.5306T>G on transcript NM_002160.4 (MANE Select); coding-DNA position 5306, T replaced by G.
Protein change: p.Leu1769Arg; replaces leucine 1769 with arginine.
Molecular consequence: missense variant.
Genome position (GRCh38, 1-based): chr9:115,041,027, A>C on the plus strand (T>G on the coding strand, the complement: TNC is on the minus strand). VCF-style: chr9-115041027-A-C. GRCh37 (hg19) VCF-style: chr9-117803306-A-C.
Other names: c.5309T>G, p.Leu1770Arg (NM_001439073.1, NM_001439072.1); c.5306T>G, p.Leu1769Arg (NM_001439074.1, NM_001439075.1, NM_001439076.1); c.4214T>G, p.Leu1405Arg (NM_001439090.1, NM_001439091.1, NM_001439089.1 and 1 more transcripts); c.5033T>G, p.Leu1678Arg (NM_001439082.1, NM_001439077.1, NM_001439078.1 and 3 more transcripts); c.4760T>G, p.Leu1587Arg (NM_001439083.1, NM_001439086.1, NM_001439084.1 and 2 more transcripts); c.4487T>G, p.Leu1496Arg (NM_001439087.1, NM_001439088.1); c.5855T>G, p.Leu1952Arg (NM_001439065.1, NM_001439066.1, NM_001439067.1); c.5582T>G, p.Leu1861Arg (NM_001439068.1, NM_001439069.1, NM_001439070.1); and 4 more; short protein forms L1132R, L1223R, L1314R, L1405R, L1496R, L1587R, L1678R, L1769R.
Identifiers: ClinVar variation 4688254 (VCV004688254.1).

ClinVar aggregate classification (germline): Uncertain significance (1 of 4 stars; one submission).

gnomAD v4.1: 2 of 1,614,078 alleles (0.00012%); no homozygotes.

Submission:

Women's Health and Genetics/Laboratory Corporation of America, LabCorp
Classification: Uncertain significance. Last evaluated: 2025-12-30. Review status: criteria provided, single submitter. Criteria: LabCorp Variant Classification Summary - May 2015. Collection method: clinical testing. Allele origin: germline.
Comment: Variant summary: TNC c.5306T>G (p.Leu1769Arg) results in a non-conservative amino acid change in the encoded protein sequence. Algorithms developed to predict the effect of missense changes on protein structure and function all suggest that this variant is likely to be disruptive. The variant was absent in 251394 control chromosomes. The available data on variant occurrences in the general population are insufficient to allow any conclusion about variant significance. To our knowledge, no occurrence of c.5306T>G in individuals affected with TNC-related conditions and no experimental evidence demonstrating its impact on protein function have been reported. No submitters have cited clinical-significance assessments for this variant to ClinVar. Based on the evidence outlined above, the variant was classified as uncertain significance.